The following is an entry in ClinVar:

NM_006767.4(LZTR1):c.415G>C (p.Asp139His)

Gene: LZTR1 (leucine zipper like post translational regulator 1; plus strand). Cytogenetic location: 22q11.21.
Variant type: single nucleotide variant.
Coding change: c.415G>C on transcript NM_006767.4 (MANE Select); coding-DNA position 415, G replaced by C.
Protein change: p.Asp139His; replaces aspartic acid 139 with histidine.
Molecular consequence: missense variant.
Genome position (GRCh38, 1-based): chr22:20,988,024, G>C. VCF-style: chr22-20988024-G-C. GRCh37 (hg19) VCF-style: chr22-21342313-G-C.
Other names: short protein forms D139H.
Identifiers: ClinVar variation 4101869 (VCV004101869.1).

ClinVar aggregate classification (germline): Uncertain significance (1 of 4 stars; one submission).

Conditions:
Cardiovascular phenotype. Identifiers: MedGen CN230736.
Hereditary cancer-predisposing syndrome. Also called: Tumor predisposition; Neoplastic Syndromes, Hereditary; Hereditary neoplastic syndrome; Hereditary Cancer Syndrome. Identifiers: Orphanet 140162, MedGen C0027672, MeSH D009386, MONDO:0015356.

Submission:

Ambry Genetics
Classification: Uncertain significance for Cardiovascular phenotype; Hereditary cancer-predisposing syndrome. Last evaluated: 2025-06-22. Review status: criteria provided, single submitter. Criteria: Ambry Variant Classification Scheme 2023. Collection method: clinical testing. Allele origin: germline.
Comment: The p.D139H variant (also known as c.415G>C), located in coding exon 5 of the LZTR1 gene, results from a G to C substitution at nucleotide position 415. The aspartic acid at codon 139 is replaced by histidine, an amino acid with similar properties. This amino acid position is conserved. In addition, the in silico prediction for this alteration is inconclusive. Based on the available evidence, the clinical significance of this variant remains unclear.